The following is an entry in ClinVar:

NM_001122955.4(BSCL2):c.782G>A (p.Gly261Glu)

Genes: BSCL2 (BSCL2 lipid droplet biogenesis associated, seipin; minus strand), HNRNPUL2-BSCL2 (HNRNPUL2-BSCL2 readthrough (NMD candidate); minus strand). Cytogenetic location: 11q12.3.
Variant type: single nucleotide variant.
Coding change: c.782G>A on transcript NM_001122955.4 (MANE Select); coding-DNA position 782, G replaced by A.
Protein change: p.Gly261Glu; replaces glycine 261 with glutamic acid.
Molecular consequence: missense variant. On other transcripts: non-coding transcript variant (1).
Genome position (GRCh38, 1-based): chr11:62,692,457, C>T on the plus strand (G>A on the coding strand, the complement: BSCL2 is on the minus strand). VCF-style: chr11-62692457-C-T. GRCh37 (hg19) VCF-style: chr11-62459929-C-T.
Other names: c.590G>A, p.Gly197Glu (NM_032667.6, NM_001130702.2); c.782G>A, p.Gly261Glu (NM_001386027.1, NM_001386028.1); short protein forms G197E, G261E.
Identifiers: ClinVar variation 3234753 (VCV003234753.21), dbSNP rs2539149600, ClinGen allele CA380962290.

ClinVar aggregate classification (germline): Uncertain significance. Review status: criteria provided, multiple submitters, no conflicts (2 of 4 stars). 2 submissions from 2 submitters: Uncertain significance (2). Last evaluated 2025-08-29.

Conditions:
Charcot-Marie-Tooth disease type 2. Also called: Charcot-Marie-Tooth type 2. Identifiers: Orphanet 64746, MedGen C0270914, MONDO:0018993.

Allele frequency attached by ClinVar (database versions not stated): gnomAD exomes below 0.00001.
gnomAD v4.1: 1 of 1,613,966 alleles (0.000062%); highest among the groups gnomAD compares: Non-Finnish European, 0.000085%; no homozygotes.

Submissions (2):

Labcorp Genetics (formerly Invitae), Labcorp
Classification: Uncertain significance for Charcot-Marie-Tooth disease type 2. Last evaluated: 2025-08-29. Review status: criteria provided, single submitter. Criteria: Invitae Variant Classification Sherloc (09022015). Collection method: clinical testing. Allele origin: germline.
Comment: This sequence change replaces glycine, which is neutral and non-polar, with glutamic acid, which is acidic and polar, at codon 197 of the BSCL2 protein (p.Gly197Glu). This variant is not present in population databases (gnomAD no frequency). This variant has not been reported in the literature in individuals affected with BSCL2-related conditions. ClinVar contains an entry for this variant (Variation ID: 3234753). Invitae Evidence Modeling of protein sequence and biophysical properties (such as structural, functional, and spatial information, amino acid conservation, physicochemical variation, residue mobility, and thermodynamic stability) indicates that this missense variant is not expected to disrupt BSCL2 protein function with a negative predictive value of 80%. In summary, the available evidence is currently insufficient to determine the role of this variant in disease. Therefore, it has been classified as a Variant of Uncertain Significance.

CeGaT Center for Human Genetics Tuebingen
Classification: Uncertain significance. Last evaluated: 2024-04-01. Review status: criteria provided, single submitter. Criteria: CeGaT Center For Human Genetics Tuebingen Variant Classification Criteria Version 2. Collection method: clinical testing. Allele origin: germline. Affected: yes. Observed: 1 variant allele.
Comment: BSCL2: PM2